The following is an entry in ClinVar:

ClinVar aggregate classification (germline): Uncertain significance. Review status: criteria provided, multiple submitters, no conflicts (2 of 4 stars). 2 submissions from 2 submitters: Uncertain significance (2). Last evaluated 2025-08-11.

Conditions:
Inborn genetic diseases. Identifiers: MedGen C0950123, MeSH D030342.

Allele frequency attached by ClinVar (database versions not stated): TOPMed below 0.00001; gnomAD exomes 0.00001.
gnomAD v4.1: 14 of 1,576,464 alleles (0.00089%); highest among the groups gnomAD compares: South Asian, 0.0058%; no homozygotes.

Submissions (2):

Ambry Genetics
Classification: Uncertain significance for Inborn genetic diseases. Last evaluated: 2025-08-11. Review status: criteria provided, single submitter. Criteria: Ambry Variant Classification Scheme 2023. Collection method: clinical testing. Allele origin: germline.

Labcorp Genetics (formerly Invitae), Labcorp
Classification: Uncertain significance. Last evaluated: 2021-09-24. Review status: criteria provided, single submitter. Criteria: Invitae Variant Classification Sherloc (09022015). Collection method: clinical testing. Allele origin: germline.
Comment: This sequence change replaces arginine with cysteine at codon 444 of the PEPD protein (p.Arg444Cys). The arginine residue is highly conserved and there is a large physicochemical difference between arginine and cysteine. This variant is not present in population databases (ExAC no frequency). This variant has not been reported in the literature in individuals with PEPD-related conditions. Algorithms developed to predict the effect of missense changes on protein structure and function are either unavailable or do not agree on the potential impact of this missense change (SIFT: "Deleterious"; PolyPhen-2: "Benign"; Align-GVGD: "Class C25"). In summary, the available evidence is currently insufficient to determine the role of this variant in disease. Therefore, it has been classified as a Variant of Uncertain Significance.

NM_000285.4(PEPD):c.1330C>T (p.Arg444Cys)

Gene: PEPD (peptidase D; minus strand). Cytogenetic location: 19q13.11.
Variant type: single nucleotide variant.
Coding change: c.1330C>T on transcript NM_000285.4 (MANE Select); coding-DNA position 1330, C replaced by T.
Protein change: p.Arg444Cys; replaces arginine 444 with cysteine.
Molecular consequence: missense variant.
Genome position (GRCh38, 1-based): chr19:33,387,904, G>A on the plus strand (C>T on the coding strand, the complement: PEPD is on the minus strand). VCF-style: chr19-33387904-G-A. GRCh37 (hg19) VCF-style: chr19-33878810-G-A.
Other names: c.1207C>T, p.Arg403Cys (NM_001166056.2); c.1138C>T, p.Arg380Cys (NM_001166057.2); c.1330C>T (NM_000285.3); short protein forms R380C, R444C, R403C.
Identifiers: ClinVar variation 1422725 (VCV001422725.6), dbSNP rs991890877, ClinGen allele CA307569066.